The following is an entry in ClinVar:

ClinVar aggregate classification (germline): Likely pathogenic (1 of 4 stars; one submission).

Allele frequency attached by ClinVar (database versions not stated): ExAC 0.00001.
gnomAD v4.1: 1 of 1,614,114 alleles (0.000062%); highest among the groups gnomAD compares: East Asian, 0.0022%; no homozygotes.

Submission:

Labcorp Genetics (formerly Invitae), Labcorp
Classification: Likely pathogenic. Last evaluated: 2023-11-09. Review status: criteria provided, single submitter. Criteria: Invitae Variant Classification Sherloc (09022015). Collection method: clinical testing. Allele origin: germline.
Comment: This sequence change replaces glycine, which is neutral and non-polar, with alanine, which is neutral and non-polar, at codon 1103 of the COL4A4 protein (p.Gly1103Ala). This variant is present in population databases (rs780160887, gnomAD 0.006%). This variant has not been reported in the literature in individuals affected with COL4A4-related conditions. Advanced modeling of protein sequence and biophysical properties (such as structural, functional, and spatial information, amino acid conservation, physicochemical variation, residue mobility, and thermodynamic stability) performed at Invitae indicates that this missense variant is expected to disrupt COL4A4 protein function with a positive predictive value of 95%. This variant disrupts the p.Gly1103 amino acid residue in COL4A4. Other variant(s) that disrupt this residue have been determined to be pathogenic (PMID: 24633401, 26628290). This suggests that this residue is clinically significant, and that variants that disrupt this residue are likely to be disease-causing. In summary, the currently available evidence indicates that the variant is pathogenic, but additional data are needed to prove that conclusively. Therefore, this variant has been classified as Likely Pathogenic.

Literature cited by the submitters: PubMed 24633401; PubMed 26628290.

NM_000092.5(COL4A4):c.3308G>C (p.Gly1103Ala)

Gene: COL4A4 (collagen type IV alpha 4 chain; minus strand). Cytogenetic location: 2q36.3.
Variant type: single nucleotide variant.
Coding change: c.3308G>C on transcript NM_000092.5 (MANE Select); coding-DNA position 3308, G replaced by C.
Protein change: p.Gly1103Ala; replaces glycine 1103 with alanine.
Molecular consequence: missense variant.
Genome position (GRCh38, 1-based): chr2:227,043,166, C>G on the plus strand (G>C on the coding strand, the complement: COL4A4 is on the minus strand). VCF-style: chr2-227043166-C-G. GRCh37 (hg19) VCF-style: chr2-227907882-C-G.
Other names: short protein forms G1103A.
Identifiers: ClinVar variation 2784265 (VCV002784265.3), dbSNP rs780160887, ClinGen allele CA2144562.